The following is an entry in ClinVar:

NM_003896.4(ST3GAL5):c.481C>T (p.Pro161Ser)

Gene: ST3GAL5 (ST3 beta-galactoside alpha-2,3-sialyltransferase 5; minus strand). Cytogenetic location: 2p11.2.
Variant type: single nucleotide variant.
Coding change: c.481C>T on transcript NM_003896.4 (MANE Select); coding-DNA position 481, C replaced by T.
Protein change: p.Pro161Ser; replaces proline 161 with serine.
Molecular consequence: missense variant. On other transcripts: 5 prime UTR variant (1).
Genome position (GRCh38, 1-based): chr2:85,848,042, G>A on the plus strand (C>T on the coding strand, the complement: ST3GAL5 is on the minus strand). VCF-style: chr2-85848042-G-A. GRCh37 (hg19) VCF-style: chr2-86075165-G-A.
Other names: c.412C>T, p.Pro138Ser (NM_001042437.2); c.97C>T, p.Pro33Ser (NM_001354223.2, NM_001354224.2, NM_001354226.2 and 3 more transcripts); c.397C>T, p.Pro133Ser (NM_001354227.2, NM_001354229.2, NM_001354238.1); c.-424C>T (NM_001354247.1); c.481C>T, p.Pro161Ser (NM_001363847.1); short protein forms P138S, P133S, P161S, P33S.
Identifiers: ClinVar variation 1508629 (VCV001508629.8), dbSNP rs2103959617, ClinGen allele CA347532390.

ClinVar aggregate classification (germline): Uncertain significance (1 of 4 stars; one submission).

Conditions:
GM3 synthase deficiency (SPDRS). Also called: SALT AND PEPPER MENTAL RETARDATION SYNDROME; SALT AND PEPPER DEVELOPMENTAL REGRESSION SYNDROME; AMISH INFANTILE EPILEPSY SYNDROME. Identifiers: Orphanet 171714, Orphanet 370933, MedGen C1836824, MONDO:0018274, OMIM 609056.

Submission:

Labcorp Genetics (formerly Invitae), Labcorp
Classification: Uncertain significance for GM3 synthase deficiency. Last evaluated: 2022-12-06. Review status: criteria provided, single submitter. Criteria: Invitae Variant Classification Sherloc (09022015). Collection method: clinical testing. Allele origin: germline.
Comment: In summary, the available evidence is currently insufficient to determine the role of this variant in disease. Therefore, it has been classified as a Variant of Uncertain Significance. Advanced modeling of protein sequence and biophysical properties (such as structural, functional, and spatial information, amino acid conservation, physicochemical variation, residue mobility, and thermodynamic stability) performed at Invitae indicates that this missense variant is expected to disrupt ST3GAL5 protein function. ClinVar contains an entry for this variant (Variation ID: 1508629). This variant has not been reported in the literature in individuals affected with ST3GAL5-related conditions. This variant is not present in population databases (gnomAD no frequency). This sequence change replaces proline, which is neutral and non-polar, with serine, which is neutral and polar, at codon 161 of the ST3GAL5 protein (p.Pro161Ser).